The following is an entry in ClinVar:

ClinVar aggregate classification (germline): Likely benign. Review status: criteria provided, multiple submitters, no conflicts (2 of 4 stars). 4 submissions from 4 submitters: Likely benign (4). Last evaluated 2026-04-07.

Conditions:
Hypertrophic cardiomyopathy 26. Also called: Cardiomyopathy, familial hypertrophic, 26. Identifiers: Orphanet 75249, MedGen C4310749, MONDO:0014883, OMIM 617047.
Myofibrillar myopathy 5. Also called: FILAMINOPATHY, AUTOSOMAL DOMINANT; Filaminopathy (type). Identifiers: Orphanet 171445, MedGen C1836050, MONDO:0012289, OMIM 609524.
Distal myopathy with posterior leg and anterior hand involvement. Also called: WILLIAMS DISTAL MYOPATHY. Identifiers: Orphanet 63273, MedGen C3279722, MONDO:0013550, OMIM 614065.
Cardiovascular phenotype. Identifiers: MedGen CN230736.
FLNC-related disorder. Also called: FLNC-related condition; FLNC-related disorders.

Allele frequency attached by ClinVar (database versions not stated): gnomAD exomes below 0.00001; ExAC 0.00001; gnomAD 0.00004 and 0.00005; TOPMed 0.00007; ESP Exome Variant Server 0.00016; 1000 Genomes Project 0.00020; 1000 Genomes Project 30x 0.00031.
gnomAD v4.1: 14 of 1,613,862 alleles (0.00087%); highest among the groups gnomAD compares: African/African-American, 0.019%; no homozygotes.

Submissions (4):

PreventionGenetics, part of Exact Sciences
Classification: Likely benign for FLNC-related condition. Last evaluated: 2026-04-07. Review status: criteria provided, single submitter. Criteria: ACMG Guidelines, 2015. Collection method: clinical testing. Allele origin: germline.
Comment: This variant is classified as likely benign based on ACMG/AMP sequence variant interpretation guidelines (Richards et al. 2015 PMID: 25741868, with internal and published modifications).

Labcorp Genetics (formerly Invitae), Labcorp
Classification: Likely benign for Distal myopathy with posterior leg and anterior hand involvement; Myofibrillar myopathy 5; Hypertrophic cardiomyopathy 26. Last evaluated: 2026-01-27. Review status: criteria provided, single submitter. Criteria: Invitae Variant Classification Sherloc (09022015). Collection method: clinical testing. Allele origin: germline.

Ambry Genetics
Classification: Likely benign for Cardiovascular phenotype. Last evaluated: 2021-10-13. Review status: criteria provided, single submitter. Criteria: Ambry Variant Classification Scheme 2023. Collection method: clinical testing. Allele origin: germline.

GeneDx
Classification: Likely benign. Last evaluated: 2020-10-20. Review status: criteria provided, single submitter. Criteria: GeneDx Variant Classification Process June 2021. Collection method: clinical testing. Allele origin: germline. Affected: yes.

NM_001458.5(FLNC):c.1728C>G (p.Ala576=)

Gene: FLNC (filamin C; plus strand). Cytogenetic location: 7q32.1.
Variant type: single nucleotide variant.
Coding change: c.1728C>G on transcript NM_001458.5 (MANE Select); coding-DNA position 1728, C replaced by G.
Protein change: p.Ala576=; no amino-acid change (alanine 576 retained).
Molecular consequence: synonymous variant.
Genome position (GRCh38, 1-based): chr7:128,840,885, C>G. VCF-style: chr7-128840885-C-G. GRCh37 (hg19) VCF-style: chr7-128480939-C-G.
Other names: c.1728C>G, p.Ala576= (NM_001127487.2).
Identifiers: ClinVar variation 512883 (VCV000512883.15), dbSNP rs370464621, ClinGen allele CA4474461.